The following is an entry in ClinVar:

ClinVar aggregate classification (germline): Uncertain significance (1 of 4 stars; one submission).

Conditions:
Neurodevelopmental disorder with or without seizures and gait abnormalities. Identifiers: MedGen C4693391, MONDO:0060641, OMIM 617864.

Allele frequency attached by ClinVar (database versions not stated): gnomAD exomes below 0.00001.
gnomAD v4.1: 3 of 1,612,982 alleles (0.00019%); highest among the groups gnomAD compares: Non-Finnish European, 0.00025%; no homozygotes.

Submission:

Genetics and Molecular Pathology, SA Pathology
Classification: Uncertain significance for Neurodevelopmental disorder with or without seizures and gait abnormalities. Last evaluated: 2022-10-27. Review status: criteria provided, single submitter. Criteria: ACMG Guidelines, 2015. Collection method: clinical testing. Allele origin: germline. Inheritance: Autosomal dominant inheritance. Affected: yes.
Comment: The GRIA4 c.1564A>G variant is classified as a VARIANT of UNCERTAIN SIGNIFICANCE (PM2, PP3) The GRIA4 c.1564A>G variant is a single nucleotide change in exon 12/17 of the GRIA4 gene, which is predicted to change the amino acid isoleucine at position 522 in the protein to valine. This variant is absent from population databases (PM2). Computational predictions support a deleterious effect on the gene or gene product (PP3). This variant has not been reported in dbSNP, ClinVar or HGMD.

NM_000829.4(GRIA4):c.1564A>G (p.Ile522Val)

Gene: GRIA4 (glutamate ionotropic receptor AMPA type subunit 4; plus strand). Cytogenetic location: 11q22.3.
Variant type: single nucleotide variant.
Coding change: c.1564A>G on transcript NM_000829.4 (MANE Select); coding-DNA position 1564, A replaced by G.
Protein change: p.Ile522Val; replaces isoleucine 522 with valine.
Molecular consequence: missense variant. On other transcripts: non-coding transcript variant (1).
Genome position (GRCh38, 1-based): chr11:105,924,486, A>G. VCF-style: chr11-105924486-A-G. GRCh37 (hg19) VCF-style: chr11-105795212-A-G.
Other names: c.1564A>G, p.Ile522Val (NM_001077243.3); short protein forms I522V.
Identifiers: ClinVar variation 2664837 (VCV002664837.1), dbSNP rs2497918729, ClinGen allele CA382300963.